The following is an entry in ClinVar:

ClinVar aggregate classification (germline): Pathogenic/Likely pathogenic. Review status: criteria provided, multiple submitters, no conflicts (2 of 4 stars). 39 submissions from 38 submitters: Pathogenic (31); Likely pathogenic (1). 7 of the submissions do not count toward it. Last evaluated 2026-08-28.

Conditions:
Arthrogryposis syndrome. Identifiers: Orphanet 109007, MedGen CN261653, MONDO:0015225.
Adult polyglucosan body disease (APBN). Also called: GBE1-Adult Polyglucosan Body Disease; POLYGLUCOSAN BODY DISEASE, ADULT FORM. Identifiers: Orphanet 206583, MedGen C1849722, MONDO:0009897, OMIM 263570.
GBE1-related disorder. Also called: GBE1-related condition; GBE1-related disorders. Identifiers: MedGen CN239402.
Glycogen storage disease, type IV (GSD4). Also called: Glycogen storage disease due to glycogen branching enzyme deficiency; AMYLOPECTINOSIS; ANDERSEN DISEASE; BRANCHER DEFICIENCY; CIRRHOSIS, FAMILIAL, WITH DEPOSITION OF ABNORMAL GLYCOGEN; GBE1 DEFICIENCY. Identifiers: Orphanet 367, MedGen C0017923, MONDO:0009292, OMIM 232500.
Glycogen storage disease IV, classic hepatic. Also called: GSD IV, CLASSIC HEPATIC. Identifiers: MedGen C1856301.
Inborn genetic diseases. Identifiers: MedGen C0950123, MeSH D030342.
Dementia. Identifiers: MedGen C0497327, MONDO:0001627, HP:0000726.
Glycogen storage disease. Also called: glycogen storage disorder; Disorder of glycogen metabolism. Identifiers: Orphanet 79201, MedGen C0017919, MONDO:0002412.

Allele frequency attached by ClinVar (database versions not stated): 1000 Genomes Project 30x 0.00016; gnomAD 0.00076 and 0.00078; gnomAD exomes 0.00089 and 0.00106; ESP Exome Variant Server 0.00111; ExAC 0.00115; 1000 Genomes Project 0.00020; TOPMed 0.00065.
gnomAD v4.1: 1,511 of 1,502,074 alleles (0.1%); highest among the groups gnomAD compares: Non-Finnish European, 0.13%; no homozygotes.

Submissions 1 to 9 of 45:

PreventionGenetics, part of Exact Sciences
Classification: Pathogenic for GBE1-related condition. Last evaluated: 2026-08-28. Review status: criteria provided, single submitter. Criteria: ACMG Guidelines, 2015. Collection method: clinical testing. Allele origin: germline.
Comment: The GBE1 c.691+2T>C variant is predicted to disrupt the GT donor site and interfere with normal splicing. This variant has been reported in the homozygous state or compound heterozygous state with a second GBE1 variant in multiple individuals with glycogen storage disease type IV (GSD IV; Fernandez et al. 2010. PubMed ID: 19813197; Ravenscroft et al. 2013. PubMed ID: 23218673; Dainese et al. 2016. PubMed ID: 25489661; Oliwa et al. 2023. PubMed ID: 37598009; Lefèvre et al. 2023. PubMed ID: 38012812) and adult polyglucosan body disease (APBD; López Chiriboga 2017. PubMed ID: 28507268; eTable 2, Schuermans et al. 2023. PubMed ID: 37152446; Jones et al. 2025. PubMed ID: 39836432). This variant is reported in 0.14% of alleles in individuals of European (Non-Finnish) descent in gnomAD. Variants that disrupt the consensus splice donor site in GBE1 are expected to be pathogenic. This variant is interpreted as pathogenic.

CeGaT Center for Human Genetics Tuebingen
Classification: Pathogenic. Last evaluated: 2026-06-01. Review status: criteria provided, single submitter. Criteria: CeGaT Center For Human Genetics Tuebingen Variant Classification Criteria Version 2. Collection method: clinical testing. Allele origin: germline. Affected: yes. Observed: 11 variant alleles.
Comment: GBE1: PVS1, PM2, PM3

Dasa
Classification: Pathogenic. Last evaluated: 2026-03-05. Review status: criteria provided, single submitter. Criteria: DASA Assertion Criteria. Collection method: clinical testing. Allele origin: germline.
Comment: NM_000158.4(GBE1):c.691+2T>C affects a canonical splice site and is predicted to disrupt normal RNA splicing, leading to loss of normal protein function. Loss-of-function is an established mechanism of disease for this gene. This variant has been recurrently observed in individuals with related phenotype (PMID: 19813197; PMID: 23218673; PMID: 38012812). The variant is present at low frequency in population datasets. Based on the available data, this variant is classified as pathogenic.

Labcorp Genetics (formerly Invitae), Labcorp
Classification: Pathogenic for Glycogen storage disease, type IV; Glycogen storage disease IV, classic hepatic. Last evaluated: 2026-02-04. Review status: criteria provided, single submitter. Criteria: Invitae Variant Classification Sherloc (09022015). Collection method: clinical testing. Allele origin: germline.
Comment: This sequence change affects a donor splice site in intron 5 of the GBE1 gene. It is expected to disrupt RNA splicing. Variants that disrupt the donor or acceptor splice site typically lead to a loss of protein function (PMID: 16199547), and loss-of-function variants in GBE1 are known to be pathogenic (PMID: 15452297, 20058079). This variant is present in population databases (rs192044702, gnomAD 0.1%), and has an allele count higher than expected for a pathogenic variant. Disruption of this splice site has been observed in individual(s) with glycogen storage disease type IV (PMID: 19813197, 23218673, 26166723, 30569318). In at least one individual the data is consistent with being in trans (on the opposite chromosome) from a pathogenic variant. It has also been observed to segregate with disease in related individuals. ClinVar contains an entry for this variant (Variation ID: 208584). Algorithms developed to predict the effect of sequence changes on RNA splicing suggest that this variant may disrupt the consensus splice site. For these reasons, this variant has been classified as Pathogenic.

Victorian Clinical Genetics Services, Murdoch Childrens Research Institute
Classification: Pathogenic for Glycogen storage disease, type IV. Last evaluated: 2026-01-22. Review status: criteria provided, single submitter. Criteria: ACMG Guidelines, 2015. Collection method: clinical testing. Allele origin: germline. Affected: yes.
Comment: This variant is classified as Pathogenic. Evidence in support of pathogenic classification: Canonical splice site variant without proven consequence on splicing (no functional evidence available); Variant is present in gnomAD (v4) <0.01 for a recessive condition (1,511 heterozygotes, 0 homozygotes); This variant has strong previous evidence of pathogenicity in unrelated individuals. This variant has been reported as pathogenic in multiple individuals with either GSD-IV or adult form polyglucosan body disease (LOVD, ClinVar, PMID: 29379554); Abnormal splicing is predicted by in silico tools and affected nucleotide is highly conserved. Additional information: This variant is heterozygous; This gene is associated with autosomal recessive disease; Loss of function is a known mechanism of disease in this gene and is associated with glycogen storage disease due to glycogen branching enzyme deficiency (MONDO:0009292); Heterozygous variant detected in trans with a LIKELY PATHOGENIC heterozygous variant (NM_000158.4(GBE1):c.721A>G; p.(Met241Val)) in a recessive disease.

Natera, Inc.
Classification: Pathogenic for Glycogen storage disease type IV. Last evaluated: 2026-01-05. Review status: criteria provided, single submitter. Criteria: Natera Variant Classification Schema (03/2026). Collection method: clinical testing. Allele origin: germline.
Comment: The c.691+2T>C variant in GBE1 is a canonical splice donor site variant predicted to affect pre-mRNA splicing, which may result in an abnormal transcript and altered protein product. This variant is expected to result in nonsense mediated decay, truncation, or a dysfunctional protein product. The frequency of this variant in the general population is greater than expected for disorder. This variant has been observed in one or more individuals affected with the associated recessive disease, as either homozygous or compound heterozygous with a second variant (PMID: 26166723). Given the available evidence, this variant is classified as Pathogenic.

Clinical Genomics Laboratory, Washington University in St. Louis
Classification: Pathogenic for Glycogen storage disease, type IV. Last evaluated: 2025-11-30. Review status: criteria provided, single submitter. Criteria: ACMG Guidelines, 2015. Collection method: clinical testing. Allele origin: germline. Affected: yes.
Comment: The GBE1 c.691+2T>C variant has been reported in many individuals affected with GBE1-related disorders (Dainese L et al., PMID: 25489661; Derks TGJ et al., PMID: 33332610; Fernandez C et al., PMID:19813197; Lefèvre CR et al., PMID: 38012812; Ravenscroft G et al., PMID:23218673; Schene IF et al., PMID: 30569318). Of these individuals, at least one was homozygous, one carried a likely pathogenic variant confirmed in trans and others carried an additional pathogenic variant presumed in trans. This variant has been reported in the ClinVar database as a germline pathogenic or likely pathogenic variant by many submitters. The highest population minor allele frequency in the population database genome aggregation database (v.4.1.0) is 0.1% in the European non-Finnish population which is consistent with the carrier rate of GBE1-related disorders. This variant occurs within the canonical splice donor site, which is predicted to cause skipping of the exon, leading to an out of frame transcript. Based on available information and the ACMG/AMP guidelines for variant interpretation (Richards S et al., PMID: 25741868), this variant is classified as pathogenic.

NHS Central & South Genomic Laboratory Hub
Classification: Pathogenic for Glycogen storage disease. Last evaluated: 2025-10-21. Review status: criteria provided, single submitter. Criteria: ACMG Guidelines, 2015. Collection method: clinical testing. Allele origin: germline. Affected: yes.

3billion
Classification: Pathogenic for Glycogen storage disease, type IV. Last evaluated: 2025-09-24. Review status: criteria provided, single submitter. Criteria: ACMG Guidelines, 2015. Collection method: clinical testing. Allele origin: germline. Affected: yes.
Comment: The variant is observed at an extremely low frequency in the gnomAD v4.1.0 dataset (total allele frequency: 0.101%). Predicted Consequence/Location: Canonical splice site: predicted to alter splicing and result in a loss or disruption of normal protein function. Multiple pathogenic loss-of-function variants are reported downstream of the variant. The variant has been reported at least twice as pathogenic with clinical assertions and evidence for the classification (ClinVar ID: VCV000208584 /PMID: 19813197 /3billion dataset). Therefore, this variant is classified as Pathogenic according to the recommendation of ACMG/AMP guideline.

NM_000158.4(GBE1):c.691+2T>C

Gene: GBE1 (1,4-alpha-glucan branching enzyme 1; minus strand). Cytogenetic location: 3p12.2.
Variant type: single nucleotide variant.
Coding change: c.691+2T>C on transcript NM_000158.4 (MANE Select); the canonical splice donor site of the intron after coding-DNA position 691, T replaced by C.
Molecular consequence: splice donor variant.
Genome position (GRCh38, 1-based): chr3:81,648,854, A>G on the plus strand (T>C on the coding strand, the complement: GBE1 is on the minus strand). VCF-style: chr3-81648854-A-G. GRCh37 (hg19) VCF-style: chr3-81698005-A-G.
Identifiers: ClinVar variation 208584 (VCV000208584.112), dbSNP rs192044702, ClinGen allele CA276004.